The following is an entry in ClinVar:

NC_000015.10:g.84817198G>A

Gene: ALPK3 (alpha kinase 3; plus strand). Cytogenetic location: 15q25.3.
Variant type: single nucleotide variant.
Genome position: GRCh38 VCF-style: chr15-84817198-G-A. GRCh37 (hg19) VCF-style: chr15-85360429-G-A.
Identifiers: ClinVar variation 2578271 (VCV002578271.1), dbSNP rs1355325381, ClinGen allele CA393368738.

ClinVar aggregate classification (germline): Uncertain significance (1 of 4 stars; one submission).

Allele frequency attached by ClinVar (database versions not stated): gnomAD exomes below 0.00001.

Submission:

GeneDx
Classification: Uncertain significance. Last evaluated: 2023-03-01. Review status: criteria provided, single submitter. Criteria: GeneDx Variant Classification Process June 2021. Collection method: clinical testing. Allele origin: germline. Affected: yes.
Comment: Not observed at significant frequency in large population cohorts (gnomAD); In silico analysis supports that this missense variant does not alter protein structure/function; Has not been previously published as pathogenic or benign to our knowledge; Reported using an alternate transcript of the gene